The following is an entry in ClinVar:

ClinVar aggregate classification (germline): Uncertain significance (1 of 4 stars; one submission).

Allele frequency attached by ClinVar (database versions not stated): ExAC 0.00011; gnomAD exomes 0.00003; TOPMed 0.00004; gnomAD 0.00003.
gnomAD v4.1: 53 of 1,614,050 alleles (0.0033%); highest among the groups gnomAD compares: African/African-American, 0.008%; no homozygotes.

Submission:

Labcorp Genetics (formerly Invitae), Labcorp
Classification: Uncertain significance. Last evaluated: 2025-07-06. Review status: criteria provided, single submitter. Criteria: Invitae Variant Classification Sherloc (09022015). Collection method: clinical testing. Allele origin: germline.
Comment: This sequence change replaces threonine, which is neutral and polar, with methionine, which is neutral and non-polar, at codon 382 of the TUBA8 protein (p.Thr382Met). This variant is present in population databases (rs773803214, gnomAD 0.01%). This variant has not been reported in the literature in individuals affected with TUBA8-related conditions. ClinVar contains an entry for this variant (Variation ID: 2722711). Invitae Evidence Modeling of protein sequence and biophysical properties (such as structural, functional, and spatial information, amino acid conservation, physicochemical variation, residue mobility, and thermodynamic stability) indicates that this missense variant is expected to disrupt TUBA8 protein function with a positive predictive value of 80%. In summary, the available evidence is currently insufficient to determine the role of this variant in disease. Therefore, it has been classified as a Variant of Uncertain Significance.

NM_018943.3(TUBA8):c.1145C>T (p.Thr382Met)

Gene: TUBA8 (tubulin alpha 8; plus strand). Cytogenetic location: 22q11.21.
Variant type: single nucleotide variant.
Coding change: c.1145C>T on transcript NM_018943.3 (MANE Select); coding-DNA position 1145, C replaced by T.
Protein change: p.Thr382Met; replaces threonine 382 with methionine.
Molecular consequence: missense variant.
Genome position (GRCh38, 1-based): chr22:18,130,931, C>T. VCF-style: chr22-18130931-C-T. GRCh37 (hg19) VCF-style: chr22-18613698-C-T.
Other names: c.947C>T, p.Thr316Met (NM_001193414.2); short protein forms T316M, T382M.
Identifiers: ClinVar variation 2722711 (VCV002722711.3), dbSNP rs773803214, ClinGen allele CA10093849.
Genomic context (GRCh38, chr22:18,130,931, plus strand): 5'-TGGTCCCCGGGGGAGACCTGGCCAAGGTGCAGCGGGCCGTCTGCATGCTCAGCAACACCA[C>T]GGCCATTGCGGAGGCCTGGGCCCGCCTCGACCACAAGTTCGACCTCATGTACGCCAAGCG-3'
Protein context (NP_061816.1, residues 372-392): QRAVCMLSNT[Thr382Met]AIAEAWARLD